The following is an entry in ClinVar:

NM_004068.4(AP2M1):c.1243G>A (p.Asp415Asn)

Gene: AP2M1 (adaptor related protein complex 2 subunit mu 1; plus strand). Cytogenetic location: 3q27.1.
Variant type: single nucleotide variant.
Coding change: c.1243G>A on transcript NM_004068.4 (MANE Select); coding-DNA position 1243, G replaced by A.
Protein change: p.Asp415Asn; replaces aspartic acid 415 with asparagine.
Molecular consequence: missense variant.
Genome position (GRCh38, 1-based): chr3:184,183,551, G>A. VCF-style: chr3-184183551-G-A. GRCh37 (hg19) VCF-style: chr3-183901339-G-A.
Other names: c.1237G>A, p.Asp413Asn (NM_001025205.2); c.1318G>A, p.Asp440Asn (NM_001311198.2); short protein forms D413N, D415N, D440N.
Identifiers: ClinVar variation 3342868 (VCV003342868.1).

ClinVar aggregate classification (germline): Uncertain significance (1 of 4 stars; one submission).

Submission:

GeneDx
Classification: Uncertain significance. Last evaluated: 2023-03-01. Review status: criteria provided, single submitter. Criteria: GeneDx Variant Classification Process June 2021. Collection method: clinical testing. Allele origin: germline. Affected: yes.
Comment: Not observed at significant frequency in large population cohorts (gnomAD); In silico analysis supports that this missense variant does not alter protein structure/function; Has not been previously published as pathogenic or benign to our knowledge; Variants in candidate genes are classified as variants of uncertain significance in accordance with ACMG guidelines (Richards et al., 2015)